The following is an entry in ClinVar:

NM_000036.3(AMPD1):c.2182C>T (p.Arg728Cys)

Gene: AMPD1 (adenosine monophosphate deaminase 1; minus strand). Cytogenetic location: 1p13.2.
Variant type: single nucleotide variant.
Coding change: c.2182C>T on transcript NM_000036.3 (MANE Select); coding-DNA position 2182, C replaced by T.
Protein change: p.Arg728Cys; replaces arginine 728 with cysteine.
Molecular consequence: missense variant.
Genome position (GRCh38, 1-based): chr1:114,673,176, G>A on the plus strand (C>T on the coding strand, the complement: AMPD1 is on the minus strand). VCF-style: chr1-114673176-G-A. GRCh37 (hg19) VCF-style: chr1-115215797-G-A.
Other names: c.2170C>T, p.Arg724Cys (NM_001172626.2); short protein forms R761C, R724C, R728C.
Identifiers: ClinVar variation 547862 (VCV000547862.14), dbSNP rs777802711, ClinGen allele CA1019908.
Genomic context (GRCh38, chr1:114,673,176, plus strand): 5'-ATTCTGTTGATTTAAGACCCTCAGCAATTAAATTGAGTTCATAACACCAGGTTTCATAGC[G>A]ATAGGCCATGCGGATTTGGGCTACATTTGTCCTCCGGATATCATTTCCAGCAGGGCCTTC-3'
Protein context (NP_000027.3, residues 718-738): TNVAQIRMAY[Arg728Cys]YETWCYELNL

ClinVar aggregate classification (germline): Uncertain significance. Review status: criteria provided, multiple submitters, no conflicts (2 of 4 stars). 5 submissions from 5 submitters: Uncertain significance (5). Last evaluated 2024-06-26.

Conditions:
Inborn genetic diseases. Identifiers: MedGen C0950123, MeSH D030342.
Muscle AMP deaminase deficiency (MMDD). Also called: Myoadenylate deaminase deficiency, myopathy due to; Adenosine monophosphate deaminase 1 deficiency; AMP deaminase 1 deficiency; Adenosine Monophosphate Deaminase 1; AMPD1 DEFICIENCY; ADENOSINE MONOPHOSPHATE DEAMINASE-1 DEFICIENCY, MYOPATHY DUE TO. Identifiers: Orphanet 45, MedGen C3714933, MONDO:0014220, OMIM 615511.

Allele frequency attached by ClinVar (database versions not stated): ExAC 0.00001; TOPMed 0.00001; gnomAD exomes 0.00002.
gnomAD v4.1: 14 of 1,613,998 alleles (0.00087%); highest among the groups gnomAD compares: South Asian, 0.0055%; no homozygotes.

Submissions (5):

Ambry Genetics
Classification: Uncertain significance for Inborn genetic diseases. Last evaluated: 2024-06-26. Review status: criteria provided, single submitter. Criteria: Ambry Variant Classification Scheme 2023. Collection method: clinical testing. Allele origin: germline.

Blueprint Genetics
Classification: Uncertain significance. Last evaluated: 2022-11-14. Review status: criteria provided, single submitter. Criteria: ACMG Guidelines, 2015. Collection method: clinical testing. Allele origin: germline.

Labcorp Genetics (formerly Invitae), Labcorp
Classification: Uncertain significance for Muscle AMP deaminase deficiency. Last evaluated: 2022-06-13. Review status: criteria provided, single submitter. Criteria: Invitae Variant Classification Sherloc (09022015). Collection method: clinical testing. Allele origin: germline.
Comment: In summary, the available evidence is currently insufficient to determine the role of this variant in disease. Therefore, it has been classified as a Variant of Uncertain Significance. Algorithms developed to predict the effect of missense changes on protein structure and function (SIFT, PolyPhen-2, Align-GVGD) all suggest that this variant is likely to be disruptive. ClinVar contains an entry for this variant (Variation ID: 547862). This variant has not been reported in the literature in individuals affected with AMPD1-related conditions. This variant is present in population databases (rs777802711, gnomAD 0.01%). This sequence change replaces arginine, which is basic and polar, with cysteine, which is neutral and slightly polar, at codon 761 of the AMPD1 protein (p.Arg761Cys).

Revvity Omics, Revvity
Classification: Uncertain significance for Muscle AMP deaminase deficiency. Last evaluated: 2019-05-24. Review status: criteria provided, single submitter. Criteria: ACMG Guidelines, 2015. Collection method: clinical testing. Allele origin: germline.

Mayo Clinic Laboratories, Mayo Clinic
Classification: Uncertain significance for Muscle AMP deaminase deficiency. Last evaluated: 2016-08-21. Review status: criteria provided, single submitter. Criteria: ACMG Guidelines, 2015. Collection method: clinical testing. Allele origin: paternal.